The following is an entry in ClinVar:

NM_014208.3(DSPP):c.684_689del (p.Val229_Thr230del)

Genes: DMP1-AS1 (DMP1 and DSPP antisense RNA 1; minus strand), DSPP (dentin sialophosphoprotein; plus strand). Cytogenetic location: 4q22.1.
Variant type: Deletion.
Coding change: c.684_689del on transcript NM_014208.3 (MANE Select); coding-DNA positions 684 to 689, 6 bases deleted (GGTAAC; older notation c.684_689delGGTAAC).
Protein change: p.Val229_Thr230del.
Genome position (GRCh38, 1-based): chr4:87,612,870-87,612,875, GGTAAC deleted. VCF-style (leftmost placement, unchanged base first): chr4-87612869-AGGTAAC-A. GRCh37 (hg19) VCF-style: chr4-88534021-AGGTAAC-A.
Identifiers: ClinVar variation 4537520 (VCV004537520.2).

ClinVar aggregate classification (germline): Uncertain significance. Review status: criteria provided, multiple submitters, no conflicts (2 of 4 stars). 2 submissions from 2 submitters: Uncertain significance (2). Last evaluated 2025-12-11.

Submissions (2):

Labcorp Genetics (formerly Invitae), Labcorp
Classification: Uncertain significance. Last evaluated: 2025-12-11. Review status: criteria provided, single submitter. Criteria: Invitae Variant Classification Sherloc (09022015). Collection method: clinical testing. Allele origin: germline.
Comment: This variant, c.684_689del, results in the deletion of 2 amino acid(s) of the DSPP protein (p.Val229_Thr230del), but otherwise preserves the integrity of the reading frame. This variant is present in population databases (rs780989879, gnomAD 0.002%). This variant has not been reported in the literature in individuals affected with DSPP-related conditions. Experimental studies and prediction algorithms are not available or were not evaluated, and the functional significance of this variant is currently unknown. In summary, the available evidence is currently insufficient to determine the role of this variant in disease. Therefore, it has been classified as a Variant of Uncertain Significance.

GeneDx
Classification: Uncertain significance. Last evaluated: 2025-06-13. Review status: criteria provided, single submitter. Criteria: GeneDx Variant Classification Process June 2021. Collection method: clinical testing. Allele origin: germline. Affected: yes.
Comment: In-frame deletion of 2 amino acids in a non-repeat region; In silico analysis suggests that this variant does not alter protein structure/function; Has not been previously published as pathogenic or benign to our knowledge